The following is an entry in ClinVar:

NM_001184880.2(PCDH19):c.1288G>A (p.Val430Met)

Gene: PCDH19 (protocadherin 19; minus strand). Cytogenetic location: Xq22.1.
Variant type: single nucleotide variant.
Coding change: c.1288G>A on transcript NM_001184880.2 (MANE Select); coding-DNA position 1288, G replaced by A.
Protein change: p.Val430Met; replaces valine 430 with methionine.
Molecular consequence: missense variant.
Genome position (GRCh38, 1-based): chrX:100,407,310, C>T on the plus strand (G>A on the coding strand, the complement: PCDH19 is on the minus strand). VCF-style: chrX-100407310-C-T. GRCh37 (hg19) VCF-style: chrX-99662308-C-T.
Other names: c.1288G>A, p.Val430Met (NM_001105243.2, NM_020766.3); short protein forms V430M.
Identifiers: ClinVar variation 2430467 (VCV002430467.1), dbSNP rs2520983978, ClinGen allele CA414003239.
Genomic context (GRCh38, chrX:100,407,310, plus strand): 5'-GGTTGTCATTTTCGTCAGTGATGAGCACGGTAAAGGACTTGGCACTCTGCAGCATGGGCA[C>T]GCCGCCGTCGCGTGCCTGAATTGTGAGGTTGTATTGGTCGTGCTGCTCGCGGTCCAGCCG-3'
Protein context (NP_001171809.1, residues 420-440): NLTIQARDGG[Val430Met]PMLQSAKSFT

ClinVar aggregate classification (germline): Uncertain significance (1 of 4 stars; one submission).

Submission:

GeneDx
Classification: Uncertain significance. Last evaluated: 2022-08-26. Review status: criteria provided, single submitter. Criteria: GeneDx Variant Classification Process June 2021. Collection method: clinical testing. Allele origin: germline. Affected: yes.
Comment: Not observed at significant frequency in large population cohorts (gnomAD); Missense variants in this gene are often considered pathogenic (HGMD); In silico analysis supports that this missense variant does not alter protein structure/function; Has not been previously published as pathogenic or benign to our knowledge